The following is an entry in ClinVar:

NM_001267550.2(TTN):c.98625_98634del (p.Phe32876fs)

Genes: TTN-AS1 (TTN antisense RNA 1; plus strand), TTN (titin; minus strand). Cytogenetic location: 2q31.2.
Variant type: Deletion.
Coding change: c.98625_98634del on transcript NM_001267550.2 (MANE Select); coding-DNA positions 98625 to 98634, 10 bases deleted (GTTTGGCATA; older notation c.98625_98634delGTTTGGCATA).
Protein change: p.Phe32876fs; shifts the reading frame from phenylalanine 32876.
Molecular consequence: frameshift variant. On other transcripts: non-coding transcript variant (1).
Genome position (GRCh38, 1-based): chr2:178,539,431-178,539,440, TATGCCAAAC deleted on the plus strand (GTTTGGCATA on the coding strand, the reverse complement: TTN is on the minus strand); deleting any 10 consecutive bases within chr2:178,539,431-178,539,441 gives the same sequence; the c. name uses the placement nearest the transcript's 3' end. VCF-style (leftmost placement, unchanged base first): chr2-178539430-TTATGCCAAAC-T. GRCh37 (hg19) VCF-style: chr2-179404157-TTATGCCAAAC-T.
Other names: c.93702_93711del, p.Phe31235fs (NM_001256850.1); c.71430_71439del, p.Phe23811fs (NM_003319.4); c.90921_90930del, p.Phe30308fs (NM_133378.4); c.71805_71814del, p.Phe23936fs (NM_133432.3); c.72006_72015del, p.Phe24003fs (NM_133437.4); short protein forms F24003fs, F31235fs, F23811fs, F30308fs, F32876fs, F23936fs.
Identifiers: ClinVar variation 1507647 (VCV001507647.8), dbSNP rs2154139897, ClinGen allele CA2573134097.

ClinVar aggregate classification (germline): Likely pathogenic (1 of 4 stars; one submission).

Conditions:
Dilated cardiomyopathy 1G (CMD1G). Identifiers: Orphanet 154, MedGen C1858763, MONDO:0011400, OMIM 604145.
Autosomal recessive limb-girdle muscular dystrophy type 2J (LGMDR10). Also called: Limb-girdle muscular dystrophy, type 2J; MUSCULAR DYSTROPHY, LIMB-GIRDLE, AUTOSOMAL RECESSIVE 10. Identifiers: Orphanet 140922, MedGen C1837342, MONDO:0012127, OMIM 608807.

Submission:

Labcorp Genetics (formerly Invitae), Labcorp
Classification: Likely pathogenic for Dilated cardiomyopathy 1G; Autosomal recessive limb-girdle muscular dystrophy type 2J. Last evaluated: 2021-05-06. Review status: criteria provided, single submitter. Criteria: Invitae Variant Classification Sherloc (09022015). Collection method: clinical testing. Allele origin: germline.
Comment: This sequence change creates a premature translational stop signal (p.Phe32876Alafs*4) in the TTN gene. While this is not anticipated to result in nonsense mediated decay, it is expected to create a truncated TTN protein. This variant is not present in population databases (ExAC no frequency). This variant has not been reported in the literature in individuals with TTN-related conditions. This variant is located in the A band of TTN (PMID: 25589632). Truncating variants in this region are significantly overrepresented in patients affected with dilated cardiomyopathy (PMID: 25589632). Truncating variants in this region have also been reported in individuals affected with autosomal recessive centronuclear myopathy (PMID: 23975875). In summary, the currently available evidence indicates that the variant is pathogenic, but additional data are needed to prove that conclusively. Therefore, this variant has been classified as Likely Pathogenic.

Literature cited by the submitters: PubMed 25589632; PubMed 23975875.